The following is an entry in ClinVar:

NM_000540.3(RYR1):c.12275T>C (p.Phe4092Ser)

Gene: RYR1 (ryanodine receptor 1; plus strand). Cytogenetic location: 19q13.2.
Variant type: single nucleotide variant.
Coding change: c.12275T>C on transcript NM_000540.3 (MANE Select); coding-DNA position 12275, T replaced by C.
Protein change: p.Phe4092Ser; replaces phenylalanine 4092 with serine.
Molecular consequence: missense variant.
Genome position (GRCh38, 1-based): chr19:38,548,413, T>C. VCF-style: chr19-38548413-T-C. GRCh37 (hg19) VCF-style: chr19-39039053-T-C.
Other names: c.12260T>C, p.Phe4087Ser (NM_001042723.2); short protein forms F4087S, F4092S.
Identifiers: ClinVar variation 1313100 (VCV001313100.2), dbSNP rs2145790895, ClinGen allele CA405666056.

ClinVar aggregate classification (germline): Uncertain significance (1 of 4 stars; one submission).

Submission:

GeneDx
Classification: Uncertain significance. Last evaluated: 2020-07-16. Review status: criteria provided, single submitter. Criteria: GeneDx Variant Classification Process June 2021. Collection method: clinical testing. Allele origin: germline. Affected: yes.
Comment: Not observed in large population cohorts (Lek et al., 2016); In silico analysis supports that this missense variant has a deleterious effect on protein structure/function; Has not been previously published as pathogenic or benign to our knowledge